The following is an entry in ClinVar:

ClinVar aggregate classification (germline): Uncertain significance (1 of 4 stars; one submission).

Conditions:
SERPINA1-related disorder. Also called: SerpinA1-related disorders; SERPINA1-related condition.

Submission:

PreventionGenetics, part of Exact Sciences
Classification: Uncertain significance for SERPINA1-related condition. Last evaluated: 2026-06-10. Review status: criteria provided, single submitter. Criteria: ACMG Guidelines, 2015. Collection method: clinical testing. Allele origin: germline.
Comment: The SERPINA1 c.340G>A variant is predicted to result in the amino acid substitution p.Ala114Thr. To our knowledge, this variant has not been reported in the literature or in a large population database (gnomAD), indicating this variant is rare. At this time, the clinical significance of this variant is uncertain due to the absence of conclusive functional and genetic evidence.

NM_000295.5(SERPINA1):c.340G>A (p.Ala114Thr)

Gene: SERPINA1 (serpin family A member 1; minus strand). Cytogenetic location: 14q32.13.
Variant type: single nucleotide variant.
Coding change: c.340G>A on transcript NM_000295.5 (MANE Select); coding-DNA position 340, G replaced by A.
Protein change: p.Ala114Thr; replaces alanine 114 with threonine.
Molecular consequence: missense variant.
Genome position (GRCh38, 1-based): chr14:94,382,898, C>T on the plus strand (G>A on the coding strand, the complement: SERPINA1 is on the minus strand). VCF-style: chr14-94382898-C-T. GRCh37 (hg19) VCF-style: chr14-94849235-C-T.
Other names: c.340G>A, p.Ala114Thr (NM_001002235.3, NM_001002236.3, NM_001127700.2 and 7 more transcripts); short protein forms A114T.
Identifiers: ClinVar variation 4995508 (VCV004995508.1).
Genomic context (GRCh38, chr14:94,382,898, plus strand): 5'-GCTGGCTGTCTGGCTGGTTGAGGGTACGGAGGAGTTCCTGGAAGCCTTCATGGATCTGAG[C>T]CTCCGGAATCTCCGTGAGGTTGAAATTCAGGCCCTCCAGGATTTCATCGTGAGTGTCAGC-3'
Protein context (NP_000286.3, residues 104-124): LNFNLTEIPE[Ala114Thr]QIHEGFQELL